The following is an entry in ClinVar:

NM_004329.3(BMPR1A):c.67+4A>T

Gene: BMPR1A (bone morphogenetic protein receptor type 1A; plus strand). Cytogenetic location: 10q23.2.
Variant type: single nucleotide variant.
Coding change: c.67+4A>T on transcript NM_004329.3 (MANE Select); 4 bases into the intron after coding-DNA position 67, A replaced by T.
Molecular consequence: intron variant.
Genome position (GRCh38, 1-based): chr10:86,876,089, A>T. VCF-style: chr10-86876089-A-T. GRCh37 (hg19) VCF-style: chr10-88635846-A-T.
Other names: c.67+4A>T (NM_001406580.1, NM_001406560.1, NM_001406559.1 and 23 more transcripts); c.-13+4A>T (NM_001406588.1); c.-17-13973A>T (NM_001406587.1, NM_001406585.1, NM_001406584.1); c.-12-13978A>T (NM_001406586.1).
Identifiers: ClinVar variation 4867544 (VCV004867544.1).

ClinVar aggregate classification (germline): Uncertain significance (1 of 4 stars; one submission).

Conditions:
Hereditary cancer-predisposing syndrome. Also called: Neoplastic Syndromes, Hereditary; Tumor predisposition; Hereditary Cancer Syndrome; Hereditary neoplastic syndrome. Identifiers: Orphanet 140162, MedGen C0027672, MeSH D009386, MONDO:0015356.

Submission:

Ambry Genetics
Classification: Uncertain significance for Hereditary cancer-predisposing syndrome. Last evaluated: 2026-03-19. Review status: criteria provided, single submitter. Criteria: Ambry Variant Classification Scheme 2023. Collection method: clinical testing. Allele origin: germline.
Comment: The c.67+4A>T intronic variant results from an A to T substitution 4 nucleotides after coding exon 1 in the BMPR1A gene. This nucleotide position is highly conserved in available vertebrate species. In silico splice site analysis for this alteration is inconclusive. Based on the available evidence, the clinical significance of this variant remains unclear.